The following is an entry in ClinVar:

ClinVar aggregate classification (germline): Pathogenic (1 of 4 stars; one submission).

Conditions:
RPE65-related recessive retinopathy. Also called: Recessive RPE65 retinopathy. Identifiers: MedGen CN305526, MONDO:0100368.

Submission:

Myriad Genetics, Inc.
Classification: Pathogenic for RPE65-related recessive retinopathy. Last evaluated: 2026-04-22. Review status: criteria provided, single submitter. Criteria: Myriad Autosomal Dominant, Autosomal Recessive and X-Linked Classification Criteria (2023). Collection method: clinical testing. Allele origin: unknown.
Comment: NM_000329.2(RPE65):c.443delA(E148Gfs*60) is expected to be pathogenic in the context of inherited retinal dystrophy, RPE65-related. This variant is predicted to lead to an abnormal or absent protein product due to the creation of a premature termination codon in RPE65, a gene where loss-of-function variants are known to be pathogenic. Please note: this variant was assessed in the context of healthy population screening.

NM_000329.3(RPE65):c.443del (p.Glu148fs)

Gene: RPE65 (retinoid isomerohydrolase RPE65; minus strand). Cytogenetic location: 1p31.3.
Variant type: Deletion.
Coding change: c.443del on transcript NM_000329.3 (MANE Select); coding-DNA position 443, one base deleted (A; older notation c.443delA).
Protein change: p.Glu148fs; shifts the reading frame from glutamic acid 148.
Molecular consequence: frameshift variant.
Genome position (GRCh38, 1-based): chr1:68,444,583, T deleted on the plus strand (A on the coding strand, the reverse complement: RPE65 is on the minus strand). VCF-style (leftmost placement, unchanged base first): chr1-68444582-CT-C. GRCh37 (hg19) VCF-style: chr1-68910265-CT-C.
Other names: c.335del, p.Glu112fs (NM_001406853.1); c.167del, p.Glu56fs (NM_001406856.1, NM_001406857.1); c.443del, p.Glu148fs (NM_001406859.1, NM_001406860.1); short protein forms E112fs, E148fs, E56fs.
Identifiers: ClinVar variation 5015818 (VCV005015818.1).